The following is an entry in ClinVar:

NM_000051.4(ATM):c.4761C>T (p.Pro1587=)

Gene: ATM (ATM serine/threonine kinase; plus strand). Cytogenetic location: 11q22.3.
Variant type: single nucleotide variant.
Coding change: c.4761C>T on transcript NM_000051.4 (MANE Select); coding-DNA position 4761, C replaced by T.
Protein change: p.Pro1587=; no amino-acid change (proline 1587 retained).
Molecular consequence: synonymous variant.
Genome position (GRCh38, 1-based): chr11:108,293,462, C>T. VCF-style: chr11-108293462-C-T. GRCh37 (hg19) VCF-style: chr11-108164189-C-T.
Other names: c.4761C>T, p.Pro1587= (NM_001351834.2).
Identifiers: ClinVar variation 453537 (VCV000453537.19), dbSNP rs769562370, ClinGen allele CA6265535.
Genomic context (GRCh38, chr11:108,293,462, plus strand): 5'-CCATGTTGTTTTTAAGGATTTGCGTATTACTCAGCAAAAAATCAAATACAGTAGAGGACC[C>T]TTTTCACTCTTGGAGGTAATAAAAATTTCATCATCTACTATTTTTTATTAGAGAACATAG-3'
Protein context (NP_000042.3, residues 1577-1597): TQQKIKYSRG[Pro1587=]FSLLEEINHF

ClinVar aggregate classification (germline): Benign/Likely benign. Review status: criteria provided, multiple submitters, no conflicts (2 of 4 stars). 6 submissions from 6 submitters: Benign (2); Likely benign (4). Last evaluated 2025-11-16.

Conditions:
Hereditary cancer-predisposing syndrome. Also called: Tumor predisposition; Hereditary Cancer Syndrome; Neoplastic Syndromes, Hereditary; Hereditary neoplastic syndrome. Identifiers: Orphanet 140162, MedGen C0027672, MeSH D009386, MONDO:0015356.
Familial cancer of breast. Also called: Hereditary breast cancer; hereditary breast carcinoma; BREAST CANCER, FAMILIAL. Identifiers: Orphanet 227535, MedGen C0346153, MONDO:0016419, OMIM 114480. Disease mechanism: loss of function.
Ataxia-telangiectasia syndrome (AT). Also called: Cerebello-oculocutaneous telangiectasia; Immunodeficiency with ataxia telangiectasia; Ataxia-telangiectasia, complementation group D; AT, COMPLEMENTATION GROUP C; Ataxia-telangiectasia, complementation group E; LOUIS-BAR SYNDROME. Identifiers: Orphanet 100, MedGen C0004135, MONDO:0008840, OMIM 208900.

Allele frequency attached by ClinVar (database versions not stated): gnomAD exomes below 0.00001; gnomAD 0.00001; ExAC 0.00002; TOPMed 0.00002.
gnomAD v4.1: 3 of 1,611,394 alleles (0.00019%); highest among the groups gnomAD compares: Non-Finnish European, 0.00025%; no homozygotes.

Submissions (6):

Labcorp Genetics (formerly Invitae), Labcorp
Classification: Likely benign for Ataxia-telangiectasia syndrome. Last evaluated: 2025-11-16. Review status: criteria provided, single submitter. Criteria: Invitae Variant Classification Sherloc (09022015). Collection method: clinical testing. Allele origin: germline.

Myriad Genetics, Inc.
Classification: Benign for Familial cancer of breast. Last evaluated: 2024-05-20. Review status: criteria provided, single submitter. Criteria: Myriad Autosomal Dominant, Autosomal Recessive and X-Linked Classification Criteria (2023). Collection method: clinical testing. Allele origin: unknown.
Comment: This variant is considered benign. This variant is a silent/synonymous amino acid change and it is not expected to impact splicing.

Sema4
Classification: Likely benign for Hereditary cancer-predisposing syndrome. Last evaluated: 2021-11-10. Review status: criteria provided, single submitter. Criteria: Sema4 Curation Guidelines. Collection method: curation. Allele origin: germline.

Color Diagnostics, LLC DBA Color Health
Classification: Likely benign for Hereditary cancer-predisposing syndrome. Last evaluated: 2017-08-10. Review status: criteria provided, single submitter. Criteria: ACMG Guidelines, 2015. Collection method: clinical testing. Allele origin: germline.

Ambry Genetics
Classification: Likely benign for Hereditary cancer-predisposing syndrome. Last evaluated: 2015-11-18. Review status: criteria provided, single submitter. Criteria: Ambry Variant Classification Scheme 2023. Collection method: clinical testing. Allele origin: germline.

GeneDx
Classification: Benign. Last evaluated: 2015-03-03. Review status: criteria provided, single submitter. Criteria: GeneDx Variant Classification Process June 2021. Collection method: clinical testing. Allele origin: germline. Affected: yes.